The following is an entry in ClinVar:

NM_000368.5(TSC1):c.2392-3C>T

Gene: TSC1 (TSC complex subunit 1; minus strand). Cytogenetic location: 9q34.13.
Variant type: single nucleotide variant.
Coding change: c.2392-3C>T on transcript NM_000368.5 (MANE Select); 3 bases into the intron before coding-DNA position 2392, C replaced by T.
Molecular consequence: intron variant.
Genome position (GRCh38, 1-based): chr9:132,901,702, G>A on the plus strand (C>T on the coding strand, the complement: TSC1 is on the minus strand). VCF-style: chr9-132901702-G-A. GRCh37 (hg19) VCF-style: chr9-135777089-G-A.
Other names: c.2029-3C>T (NM_001362177.2); c.2239-3C>T (NM_001162427.2); c.2389-3C>T (NM_001162426.2).
Identifiers: ClinVar variation 1469432 (VCV001469432.6), dbSNP rs561093328, ClinGen allele CA2573144220.

ClinVar aggregate classification (germline): Uncertain significance (1 of 4 stars; one submission).

Conditions:
Tuberous sclerosis 1 (TSC1). Identifiers: Orphanet 805, MedGen C1854465, MONDO:0008612, OMIM 191100.

Submission:

Labcorp Genetics (formerly Invitae), Labcorp
Classification: Uncertain significance for Tuberous sclerosis 1. Last evaluated: 2024-02-05. Review status: criteria provided, single submitter. Criteria: Invitae Variant Classification Sherloc (09022015). Collection method: clinical testing. Allele origin: germline.
Comment: This sequence change falls in intron 18 of the TSC1 gene. It does not directly change the encoded amino acid sequence of the TSC1 protein. It affects a nucleotide within the consensus splice site. This variant is not present in population databases (gnomAD no frequency). This variant has not been reported in the literature in individuals affected with TSC1-related conditions. ClinVar contains an entry for this variant (Variation ID: 1469432). Variants that disrupt the consensus splice site are a relatively common cause of aberrant splicing (PMID: 17576681, 9536098). Algorithms developed to predict the effect of sequence changes on RNA splicing suggest that this variant is not likely to affect RNA splicing. In summary, the available evidence is currently insufficient to determine the role of this variant in disease. Therefore, it has been classified as a Variant of Uncertain Significance.

Literature cited by the submitters: PubMed 17576681; PubMed 9536098.